The following is an entry in ClinVar:

ClinVar aggregate classification (germline): Uncertain significance. Review status: criteria provided, single submitter (1 of 4 stars). 2 submissions from 2 submitters: Uncertain significance (1). 1 of the submissions does not count toward it. Last evaluated 2021-07-27.

Conditions:
CPE-related disorder. Also called: CPE-related condition.

Allele frequency attached by ClinVar (database versions not stated): gnomAD exomes below 0.00001 and 0.00001; ExAC 0.00001; TOPMed 0.00005; gnomAD 0.00008 and 0.00009; 1000 Genomes Project 30x 0.00016; 1000 Genomes Project 0.00020.
gnomAD v4.1: 17 of 1,613,794 alleles (0.0011%); highest among the groups gnomAD compares: African/African-American, 0.019%; no homozygotes.

Submissions (2):

Labcorp Genetics (formerly Invitae), Labcorp
Classification: Uncertain significance. Last evaluated: 2021-07-27. Review status: criteria provided, single submitter. Criteria: Invitae Variant Classification Sherloc (09022015). Collection method: clinical testing. Allele origin: germline.
Comment: This variant is present in population databases (rs568666068, ExAC 0.01%). This sequence change replaces alanine with valine at codon 128 of the CPE protein (p.Ala128Val). The alanine residue is highly conserved and there is a small physicochemical difference between alanine and valine. In summary, the available evidence is currently insufficient to determine the role of this variant in disease. Therefore, it has been classified as a Variant of Uncertain Significance. Algorithms developed to predict the effect of missense changes on protein structure and function are either unavailable or do not agree on the potential impact of this missense change (SIFT: "Not Available"; PolyPhen-2: "Benign"; Align-GVGD: "Not Available"). This variant has not been reported in the literature in individuals affected with CPE-related conditions.

PreventionGenetics, part of Exact Sciences
Classification: Uncertain significance for CPE-related condition. Last evaluated: 2024-05-09. Review status: no assertion criteria provided. Collection method: clinical testing. Allele origin: germline. Not counted in ClinVar's aggregate classification.
Comment: The CPE c.383C>T variant is predicted to result in the amino acid substitution p.Ala128Val. To our knowledge, this variant has not been reported in the literature. This variant is reported in 0.028% of alleles in individuals of African descent in gnomAD. At this time, the clinical significance of this variant is uncertain due to the absence of conclusive functional and genetic evidence.

NM_001873.4(CPE):c.383C>T (p.Ala128Val)

Gene: CPE (carboxypeptidase E; plus strand). Cytogenetic location: 4q32.3.
Variant type: single nucleotide variant.
Coding change: c.383C>T on transcript NM_001873.4 (MANE Select); coding-DNA position 383, C replaced by T.
Protein change: p.Ala128Val; replaces alanine 128 with valine.
Molecular consequence: missense variant.
Genome position (GRCh38, 1-based): chr4:165,464,465, C>T. VCF-style: chr4-165464465-C-T. GRCh37 (hg19) VCF-style: chr4-166385617-C-T.
Other names: c.383C>T (NM_001873.3); short protein forms A128V.
Identifiers: ClinVar variation 1487579 (VCV001487579.9), dbSNP rs568666068, ClinGen allele CA3130171.